The following is an entry in ClinVar:

ClinVar aggregate classification (germline): Uncertain significance (1 of 4 stars; one submission).

Submission:

Women's Health and Genetics/Laboratory Corporation of America, LabCorp
Classification: Uncertain significance. Last evaluated: 2023-09-11. Review status: criteria provided, single submitter. Criteria: LabCorp Variant Classification Summary - May 2015. Collection method: clinical testing. Allele origin: germline.
Comment: Variant summary: ARID5A c.240_241delCC (p.His81SerfsX7) results in a premature termination codon, predicted to cause a truncation of the encoded protein or absence of the protein due to nonsense mediated decay, however the molecular mechanism of disease attributed to ARID5A is currently unknown. The variant was absent in 250814 control chromosomes (gnomAD). The available data on variant occurrences in the general population are insufficient to allow any conclusion about variant significance. To our knowledge, no occurrence of c.240_241delCC in individuals affected with ARID5A-Related Disorders and no experimental evidence demonstrating its impact on protein function have been reported. No submitters have cited clinical-significance assessments for this variant to ClinVar after 2014. Based on the evidence outlined above, the variant was classified as uncertain significance.

NM_212481.3(ARID5A):c.240_241del (p.His81fs)

Gene: ARID5A (AT-rich interaction domain 5A; plus strand). Cytogenetic location: 2q11.2.
Variant type: Deletion.
Coding change: c.240_241del on transcript NM_212481.3 (MANE Select); coding-DNA positions 240 to 241, 2 bases deleted (CC; older notation c.240_241delCC).
Protein change: p.His81fs; shifts the reading frame from histidine 81.
Molecular consequence: frameshift variant. On other transcripts: 5 prime UTR variant (1), intron variant (2).
Genome position (GRCh38, 1-based): chr2:96,549,440-96,549,441, CC deleted; deleting any 2 consecutive bases within chr2:96,549,438-96,549,441 gives the same sequence; the c. name uses the placement nearest the transcript's 3' end. VCF-style (leftmost placement, unchanged base first): chr2-96549437-GCC-G. GRCh37 (hg19) VCF-style: chr2-97215174-GCC-G.
Other names: c.240_241del, p.His81fs (NM_001319085.2, NM_001319087.2); c.36_37del, p.His13fs (NM_001319092.1); c.-222_-221del (NM_001319094.2); c.-233-313_-233-312del (NM_001319096.2, NM_001319093.2); short protein forms H13fs, H81fs.
Identifiers: ClinVar variation 2627193 (VCV002627193.1), dbSNP rs2467835830, ClinGen allele CA2582342412.